The following is an entry in ClinVar:

NM_001042492.3(NF1):c.480-2A>G

Gene: NF1 (neurofibromin 1; plus strand). Cytogenetic location: 17q11.2.
Variant type: single nucleotide variant.
Coding change: c.480-2A>G on transcript NM_001042492.3 (MANE Select); the canonical splice acceptor site of the intron before coding-DNA position 480, A replaced by G.
Molecular consequence: splice acceptor variant.
Genome position (GRCh38, 1-based): chr17:31,169,889, A>G. VCF-style: chr17-31169889-A-G. GRCh37 (hg19) VCF-style: chr17-29496907-A-G.
Other names: c.480-2A>G (NM_000267.4, NM_001128147.3, NM_001042492.2).
Identifiers: ClinVar variation 561503 (VCV000561503.7), dbSNP rs1567820688, ClinGen allele CA398984620.
Genomic context (GRCh38, chr17:31,169,889, plus strand): 5'-AGATACCACACCTGTCCCCTAATACTTAATTTGATAAGTTAATTTTGGTTTTTACTTTTT[A>G]GGTTACAGGAATTAACTGTTTGTTCAGAAGACAATGTTGATGTTCATGATATAGAATTGT-3'

ClinVar aggregate classification (germline): Pathogenic. Review status: criteria provided, multiple submitters, no conflicts (2 of 4 stars). 4 submissions from 4 submitters: Pathogenic (4). Last evaluated 2025-05-23.

Conditions:
Neurofibromatosis, type 1 (NF1). Also called: VON RECKLINGHAUSEN DISEASE; NEUROFIBROMATOSIS, TYPE I, SOMATIC; Peripheral type neurofibromatosis; Neurofibromatosis, type I. Identifiers: Orphanet 636, MedGen C0027831, MONDO:0018975, OMIM 162200. Disease mechanism: loss of function.

Submissions (4):

GeneDx
Classification: Pathogenic. Last evaluated: 2025-05-23. Review status: criteria provided, single submitter. Criteria: GeneDx Variant Classification Process June 2021. Collection method: clinical testing. Allele origin: germline. Affected: yes.
Comment: Canonical splice site variant in a gene for which loss-of-function is a known mechanism of disease; Not observed at significant frequency in large population cohorts (gnomAD); This variant is associated with the following publications: (PMID: 22155606, 26840085, 11857752, 18484666, 31776437)

Molecular Pathology, Peter Maccallum Cancer Centre
Classification: Pathogenic for Neurofibromatosis, type 1. Last evaluated: 2024-06-06. Review status: criteria provided, single submitter. Criteria: ACMG Guidelines, 2015. Collection method: clinical testing. Allele origin: germline. Inheritance: Autosomal dominant inheritance.

Labcorp Genetics (formerly Invitae), Labcorp
Classification: Pathogenic for Neurofibromatosis, type 1. Last evaluated: 2024-05-04. Review status: criteria provided, single submitter. Criteria: Invitae Variant Classification Sherloc (09022015). Collection method: clinical testing. Allele origin: germline.
Comment: This sequence change affects an acceptor splice site in intron 4 of the NF1 gene. It is expected to disrupt RNA splicing. Variants that disrupt the donor or acceptor splice site typically lead to a loss of protein function (PMID: 16199547), and loss-of-function variants in NF1 are known to be pathogenic (PMID: 10712197, 23913538). This variant is not present in population databases (gnomAD no frequency). Disruption of this splice site has been observed in individuals with neurofibromatosis, type 1 (PMID: 11857752, 31776437). This variant is also known as IVS4a-2A>G. ClinVar contains an entry for this variant (Variation ID: 561503). Algorithms developed to predict the effect of sequence changes on RNA splicing suggest that this variant may disrupt the consensus splice site. For these reasons, this variant has been classified as Pathogenic.

Institute of Human Genetics, FAU Erlangen, Friedrich-Alexander-Universität Erlangen-Nürnberg
Classification: Pathogenic. Last evaluated: 2023-09-26. Review status: criteria provided, single submitter. Criteria: Hauer et al. (Genet Med. 2018). Collection method: clinical testing. Allele origin: germline. Inheritance: Unknown mechanism. Affected: yes. Observed: 1 variant allele.
Comment: This variant has been identified by standard clinical testing. Neurofibromatosis, type 1 Selected ACMG criteria: Pathogenic (I):PP5;PM2;PVS1

Literature cited by the submitters: PubMed 16199547 (cited by Labcorp Genetics (formerly Invitae), Labcorp); PubMed 10712197 (cited by Labcorp Genetics (formerly Invitae), Labcorp); PubMed 23913538 (cited by Labcorp Genetics (formerly Invitae), Labcorp); PubMed 11857752 (cited by Labcorp Genetics (formerly Invitae), Labcorp); PubMed 31776437 (cited by Labcorp Genetics (formerly Invitae), Labcorp).